The following is an entry in ClinVar:

NM_206933.4(USH2A):c.12052G>A (p.Ala4018Thr)

Gene: USH2A (usherin; minus strand). Cytogenetic location: 1q41.
Variant type: single nucleotide variant.
Coding change: c.12052G>A on transcript NM_206933.4 (MANE Select); coding-DNA position 12052, G replaced by A.
Protein change: p.Ala4018Thr; replaces alanine 4018 with threonine.
Molecular consequence: missense variant.
Genome position (GRCh38, 1-based): chr1:215,728,044, C>T on the plus strand (G>A on the coding strand, the complement: USH2A is on the minus strand). VCF-style: chr1-215728044-C-T. GRCh37 (hg19) VCF-style: chr1-215901386-C-T.
Other names: short protein forms A4018T.
Identifiers: ClinVar variation 4528251 (VCV004528251.1).

ClinVar aggregate classification (germline): Uncertain significance (1 of 4 stars; one submission).

gnomAD v4.1: 5 of 1,614,042 alleles (0.00031%); highest among the groups gnomAD compares: Middle Eastern, 0.049%; no homozygotes.

Submission:

GeneDx
Classification: Uncertain significance. Last evaluated: 2025-05-06. Review status: criteria provided, single submitter. Criteria: GeneDx Variant Classification Process June 2021. Collection method: clinical testing. Allele origin: germline. Affected: yes.
Comment: Not observed at significant frequency in large population cohorts (gnomAD); In silico analysis suggests that this missense variant does not alter protein structure/function; This variant is associated with the following publications: (PMID: 26261414)